The following is an entry in ClinVar:

NM_000301.5(PLG):c.1852T>C (p.Leu618=)

Genes: PLG (plasminogen; plus strand), LOC126859861 (CDK7 strongly-dependent group 2 enhancer GRCh37_chr6:161158745-161159944; plus strand). Cytogenetic location: 6q26.
Variant type: single nucleotide variant.
Coding change: c.1852T>C on transcript NM_000301.5 (MANE Select); coding-DNA position 1852, T replaced by C.
Protein change: p.Leu618=; no amino-acid change (leucine 618 retained).
Molecular consequence: synonymous variant.
Genome position (GRCh38, 1-based): chr6:160,738,587, T>C. VCF-style: chr6-160738587-T-C. GRCh37 (hg19) VCF-style: chr6-161159619-T-C.
Other names: p.Leu618=.
Identifiers: ClinVar variation 713789 (VCV000713789.46), dbSNP rs4252195, ClinGen allele CA4087906.

ClinVar aggregate classification (germline): Benign/Likely benign. Review status: criteria provided, multiple submitters, no conflicts (2 of 4 stars). 4 submissions from 4 submitters: Benign (2); Likely benign (2). Last evaluated 2026-07-01.

Allele frequency attached by ClinVar (database versions not stated): 1000 Genomes Project 0.00060; 1000 Genomes Project 30x 0.00094; ExAC 0.00273; gnomAD exomes 0.00283 and 0.00570; TOPMed 0.00362; gnomAD 0.00366 and 0.00379; ESP Exome Variant Server 0.00492.
gnomAD v4.1: 8,728 of 1,609,400 alleles (0.54%); highest among the groups gnomAD compares: Non-Finnish European, 0.7%; 41 homozygotes.

Submissions (4):

CeGaT Center for Human Genetics Tuebingen
Classification: Likely benign. Last evaluated: 2026-07-01. Review status: criteria provided, single submitter. Criteria: CeGaT Center For Human Genetics Tuebingen Variant Classification Criteria Version 2. Collection method: clinical testing. Allele origin: germline. Affected: yes. Observed: 10 variant alleles.
Comment: PLG: BP4, BP7, BS2

Labcorp Genetics (formerly Invitae), Labcorp
Classification: Benign. Last evaluated: 2026-01-29. Review status: criteria provided, single submitter. Criteria: Invitae Variant Classification Sherloc (09022015). Collection method: clinical testing. Allele origin: germline.

Mayo Clinic Laboratories, Mayo Clinic
Classification: Benign. Last evaluated: 2025-04-10. Review status: criteria provided, single submitter. Criteria: ACMG Guidelines, 2015. Collection method: clinical testing. Allele origin: germline. Observed: 11 variant alleles.
Comment: BS1, BS2, BP4, BP7

Breakthrough Genomics
Classification: Likely benign. Review status: criteria provided, single submitter. Criteria: ACMG Guidelines, 2015. Collection method: not provided. Allele origin: germline. Inheritance: Autosomal recessive inheritance. Affected: yes.